The following is an entry in ClinVar:

ClinVar aggregate classification (germline): Uncertain significance (1 of 4 stars; one submission).

Submission:

Labcorp Genetics (formerly Invitae), Labcorp
Classification: Uncertain significance. Last evaluated: 2024-10-17. Review status: criteria provided, single submitter. Criteria: Invitae Variant Classification Sherloc (09022015). Collection method: clinical testing. Allele origin: germline.
Comment: This sequence change replaces threonine, which is neutral and polar, with arginine, which is basic and polar, at codon 252 of the EMC1 protein (p.Thr252Arg). This variant is present in population databases (rs558157154, gnomAD 0.009%). This variant has not been reported in the literature in individuals affected with EMC1-related conditions. Invitae Evidence Modeling of protein sequence and biophysical properties (such as structural, functional, and spatial information, amino acid conservation, physicochemical variation, residue mobility, and thermodynamic stability) indicates that this missense variant is not expected to disrupt EMC1 protein function with a negative predictive value of 80%. Algorithms developed to predict the effect of sequence changes on RNA splicing suggest that this variant may disrupt the consensus splice site. In summary, the available evidence is currently insufficient to determine the role of this variant in disease. Therefore, it has been classified as a Variant of Uncertain Significance.

NM_015047.3(EMC1):c.755C>G (p.Thr252Arg)

Genes: EMC1 (ER membrane protein complex subunit 1; minus strand), EMC1-AS1 (EMC1 antisense RNA 1; plus strand). Cytogenetic location: 1p36.13.
Variant type: single nucleotide variant.
Coding change: c.755C>G on transcript NM_015047.3 (MANE Select); coding-DNA position 755, C replaced by G.
Protein change: p.Thr252Arg; replaces threonine 252 with arginine.
Molecular consequence: missense variant. On other transcripts: non-coding transcript variant (1).
Genome position (GRCh38, 1-based): chr1:19,240,328, G>C on the plus strand (C>G on the coding strand, the complement: EMC1 is on the minus strand). VCF-style: chr1-19240328-G-C. GRCh37 (hg19) VCF-style: chr1-19566822-G-C.
Other names: c.755C>G, p.Thr252Arg (NM_001271427.2, NM_001271428.2, NM_001375820.1 and 1 more transcripts); c.689C>G, p.Thr230Arg (NM_001271429.2); short protein forms T252R, T230R.
Identifiers: ClinVar variation 3012148 (VCV003012148.3), dbSNP rs558157154, ClinGen allele CA652807.
Genomic context (GRCh38, chr1:19,240,328, plus strand): 5'-GGCCAGAAGAAGCAGTGGCAGCCTCTCACCTGCAGTGGGATCTGTCTCAACTCCCATTCC[G>C]TCTCCAGAGCCAAAGTTTGGAGGGAACGTGAGCTCGGGTCAGGACACACCAGGACAGCCT-3'
Protein context (NP_055862.1, residues 242-262): SRSLQTLALE[Thr252Arg]EWELRQIPLQ